The following is an entry in ClinVar:

NM_001005242.3(PKP2):c.1556+1G>A

Gene: PKP2 (plakophilin 2; minus strand). Cytogenetic location: 12p11.21.
Variant type: single nucleotide variant.
Coding change: c.1556+1G>A on transcript NM_001005242.3 (MANE Select); the canonical splice donor site of the intron after coding-DNA position 1556, G replaced by A.
Molecular consequence: splice donor variant.
Genome position (GRCh38, 1-based): chr12:32,841,027, C>T on the plus strand (G>A on the coding strand, the complement: PKP2 is on the minus strand). VCF-style: chr12-32841027-C-T. GRCh37 (hg19) VCF-style: chr12-32993961-C-T.
Other names: c.1556+1G>A (NM_001407156.1, NM_001407155.1, NM_001407161.1); c.1688+1G>A (NM_004572.4, NM_001407157.1); c.1229+1G>A (NM_001407160.1, NM_001407159.1, NM_001407158.1 and 1 more transcripts).
Identifiers: ClinVar variation 45038 (VCV000045038.24), dbSNP rs397517003, ClinGen allele CA011303.

ClinVar aggregate classification (germline): Pathogenic/Likely pathogenic. Review status: criteria provided, multiple submitters, no conflicts (2 of 4 stars). 6 submissions from 6 submitters: Pathogenic (3); Likely pathogenic (2). 1 of the submissions does not count toward it. Last evaluated 2026-01-12.

Conditions:
Cardiovascular phenotype. Identifiers: MedGen CN230736.
Arrhythmogenic right ventricular cardiomyopathy (ARVD). Also called: Arrhythmogenic cardiomyopathy; Arrhythmogenic Right Ventricular Cardiomyopathy (ARVC); Cardiomyopathy, ARVC; Arrhythmogenic right ventricular dysplasia. Identifiers: Orphanet 247, MedGen C0349788, MeSH D019571, MONDO:0016587. Disease mechanism: loss of function. Inheritance: Various modes of inheritance.
Cardiomyopathy (CMYO). Also called: Cardiomyopathies. Identifiers: Orphanet 167848, MedGen C0878544, MONDO:0004994, HP:0001638. Inheritance: Various modes of inheritance.
Arrhythmogenic right ventricular dysplasia 9 (ARVD9). Also called: Arrhythmogenic Right Ventricular Dysplasia/Cardiomyopathy 9; ARRHYTHMOGENIC RIGHT VENTRICULAR DYSPLASIA, FAMILIAL, 9. Identifiers: MedGen C1836906, MONDO:0012180, OMIM 609040.

Allele frequency attached by ClinVar (database versions not stated): gnomAD 0.00001; TOPMed 0.00001; gnomAD exomes below 0.00001.
gnomAD v4.1: 2 of 1,612,060 alleles (0.00012%); highest among the groups gnomAD compares: South Asian, 0.0011%; no homozygotes.

Submissions (6):

Labcorp Genetics (formerly Invitae), Labcorp
Classification: Likely pathogenic for Arrhythmogenic right ventricular dysplasia 9. Last evaluated: 2026-01-12. Review status: criteria provided, single submitter. Criteria: Invitae Variant Classification Sherloc (09022015). Collection method: clinical testing. Allele origin: germline.
Comment: This sequence change affects a donor splice site in intron 7 of the PKP2 gene. It is expected to disrupt RNA splicing. Variants that disrupt the donor or acceptor splice site typically lead to a loss of protein function (PMID: 16199547), and loss-of-function variants in PKP2 are known to be pathogenic (PMID: 15489853, 17041889, 23911551). This variant is present in population databases (rs397517003, gnomAD 0.0009%). Disruption of this splice site has been observed in individual(s) with arrhythmogenic right ventricular cardiomyopathy and/or arrythmogenic cardiomyopathy (PMID: 20400443, 31386562). This variant is also known as IVS7+1G>A. ClinVar contains an entry for this variant (Variation ID: 45038). Algorithms developed to predict the effect of sequence changes on RNA splicing suggest that this variant may disrupt the consensus splice site. In summary, the currently available evidence indicates that the variant is pathogenic, but additional data are needed to prove that conclusively. Therefore, this variant has been classified as Likely Pathogenic.

GeneDx
Classification: Pathogenic. Last evaluated: 2025-10-24. Review status: criteria provided, single submitter. Criteria: GeneDx Variant Classification Process June 2021. Collection method: clinical testing. Allele origin: germline. Affected: yes.
Comment: Canonical splice site variant predicted to result in a null allele in a gene for which loss of function is a known mechanism of disease; Not observed at significant frequency in large population cohorts (gnomAD); This variant is associated with the following publications: (PMID: 30790397, 34697415, 20400443, 28523642, 31402444, 34469894, AlSafF2023[Preprint], 35463915, 31386562)

Ambry Genetics
Classification: Pathogenic for Cardiovascular phenotype. Last evaluated: 2025-09-16. Review status: criteria provided, single submitter. Criteria: Ambry Variant Classification Scheme 2023. Collection method: clinical testing. Allele origin: germline.
Comment: The c.1688+1G>A intronic pathogenic mutation results from a G to A substitution one nucleotide after coding exon 7 of the PKP2 gene. This variant was reported in individual(s) with features consistent with arrhythmogenic right ventricular cardiomyopathy (ARVC) (Fressart V et al. Europace, 2010 Jun;12:861-8; Hermida A et al. Eur J Heart Fail, 2019 06;21:792-800; van Lint FHM et al. Circ Genom Precis Med, 2019 08;12:e002467). This variant is considered to be rare based on population cohorts in the Genome Aggregation Database (gnomAD). This nucleotide position is highly conserved in available vertebrate species. In silico splice site analysis predicts that this alteration will weaken the native splice donor site. Alterations that disrupt the canonical splice site are expected to cause aberrant splicing, resulting in an abnormal protein or a transcript that is subject to nonsense-mediated mRNA decay. As such, this alteration is classified as a disease-causing mutation.

Color Diagnostics, LLC DBA Color Health
Classification: Likely pathogenic for Cardiomyopathy. Last evaluated: 2019-10-14. Review status: criteria provided, single submitter. Criteria: ACMG Guidelines, 2015. Collection method: clinical testing. Allele origin: germline.
Comment: This variant causes a G>A nucleotide substitution at the +1 position of intron 7 of the PKP2 gene. Splice site prediction tools predict that this variant may have a significant impact on RNA splicing. Although functional studies have not been performed for this variant, this variant is expected to result in an absent or non-functional protein product. This variant has been reported in two individuals affected with arrhythmogenic right ventricular cardiomyopathy (PMID: 20400443; Clinvar variation ID 45038). This variant has been identified in 1/250998 chromosomes in the general population by the Genome Aggregation Database (gnomAD). Loss of PKP2 function is a known mechanism of disease. Based on the available evidence, this variant is classified as Likely Pathogenic.

Laboratory for Molecular Medicine, Mass General Brigham Personalized Medicine
Classification: Pathogenic for Arrhythmogenic right ventricular cardiomyopathy. Last evaluated: 2019-03-06. Review status: criteria provided, single submitter. Criteria: LMM Criteria. Collection method: clinical testing. Allele origin: germline. Observed: 5 variant alleles.
Comment: The c.1688+1G>A variant in PKP2 has been identified in 2 individuals with ARVC (Fressart 2010, LMM data) and 1/113356 European chromosomes by gnomAD. This variant occurs within the canonical splice site (+/- 1,2) and is predicted to cause altered splicing leading to an abnormal or absent protein. Loss of function of the PKP2 gene is an established disease mechanism in autosomal dominant arrhythmogenic right ventricular cardiomyopathy (ARVC). This variant has also been reported in ClinVar (Variation ID 45038). In summary, this variant meets criteria to be classified as pathogenic for autosomal dominant ARVC. ACMG/AMP Criteria applied: PVS1, PM2, PS4_Supporting.

Zotz-Klimas Genetics Lab, MVZ Zotz Klimas
Classification: Likely pathogenic for Arrhythmogenic right ventricular dysplasia 9. Last evaluated: 2023-10-09. Review status: no assertion criteria provided. Collection method: clinical testing. Allele origin: germline. Affected: yes. Not counted in ClinVar's aggregate classification.

Literature cited by the submitters: PubMed 16199547 (cited by Labcorp Genetics (formerly Invitae), Labcorp); PubMed 15489853 (cited by Labcorp Genetics (formerly Invitae), Labcorp); PubMed 17041889 (cited by Labcorp Genetics (formerly Invitae), Labcorp); PubMed 23911551 (cited by Labcorp Genetics (formerly Invitae), Labcorp); PubMed 20400443 (cited by 3 submitters); PubMed 31386562 (cited by Labcorp Genetics (formerly Invitae), Labcorp and Ambry Genetics); PubMed 30790397 (cited by Ambry Genetics); PubMed 31402444 (cited by Ambry Genetics).